The following is an entry in ClinVar:

NM_000179.3(MSH6):c.1376C>A (p.Ser459Tyr)

Gene: MSH6 (mutS homolog 6; plus strand). Cytogenetic location: 2p16.3.
Variant type: single nucleotide variant.
Coding change: c.1376C>A on transcript NM_000179.3 (MANE Select); coding-DNA position 1376, C replaced by A.
Protein change: p.Ser459Tyr; replaces serine 459 with tyrosine.
Molecular consequence: missense variant. On other transcripts: non-coding transcript variant (4), intron variant (1).
Genome position (GRCh38, 1-based): chr2:47,799,359, C>A. VCF-style: chr2-47799359-C-A. GRCh37 (hg19) VCF-style: chr2-48026498-C-A.
Other names: c.986C>A, p.Ser329Tyr (NM_001281492.2); c.470C>A, p.Ser157Tyr (NM_001281493.2, NM_001281494.2, NM_001406811.1 and 6 more transcripts); c.1472C>A, p.Ser491Tyr (NM_001406795.1, NM_001406802.1); c.851C>A, p.Ser284Tyr (NM_001406806.1, NM_001406807.1, NM_001406799.1); c.1376C>A, p.Ser459Tyr (NM_001406808.1, NM_001406809.1, NM_001406796.1 and 4 more transcripts); c.1382C>A, p.Ser461Tyr (NM_001406813.1); c.1208C>A, p.Ser403Tyr (NM_001406826.1); c.1079C>A, p.Ser360Tyr (NM_001406827.1, NM_001406828.1, NM_001406830.1 and 10 more transcripts); and 2 more; short protein forms S284Y, S329Y, S360Y, S461Y, S157Y, S403Y, S433Y, S459Y.
Identifiers: ClinVar variation 2765155 (VCV002765155.3), dbSNP rs587782346, ClinGen allele CA346744948.

ClinVar aggregate classification (germline): Uncertain significance (1 of 4 stars; one submission).

Conditions:
Hereditary nonpolyposis colorectal neoplasms. Identifiers: MedGen C0009405, MeSH D003123.

Submission:

Labcorp Genetics (formerly Invitae), Labcorp
Classification: Uncertain significance for Hereditary nonpolyposis colorectal neoplasms. Last evaluated: 2023-10-04. Review status: criteria provided, single submitter. Criteria: Invitae Variant Classification Sherloc (09022015). Collection method: clinical testing. Allele origin: germline.
Comment: This sequence change replaces serine, which is neutral and polar, with tyrosine, which is neutral and polar, at codon 459 of the MSH6 protein (p.Ser459Tyr). This variant is not present in population databases (gnomAD no frequency). This variant has not been reported in the literature in individuals affected with MSH6-related conditions. Advanced modeling of protein sequence and biophysical properties (such as structural, functional, and spatial information, amino acid conservation, physicochemical variation, residue mobility, and thermodynamic stability) has been performed at Invitae for this missense variant, however the output from this modeling did not meet the statistical confidence thresholds required to predict the impact of this variant on MSH6 protein function. In summary, the available evidence is currently insufficient to determine the role of this variant in disease. Therefore, it has been classified as a Variant of Uncertain Significance.